The following is an entry in ClinVar:

NM_004329.3(BMPR1A):c.676-6A>C

Gene: BMPR1A (bone morphogenetic protein receptor type 1A; plus strand). Cytogenetic location: 10q23.2.
Variant type: single nucleotide variant.
Coding change: c.676-6A>C on transcript NM_004329.3 (MANE Select); 6 bases into the intron before coding-DNA position 676, A replaced by C.
Molecular consequence: intron variant.
Genome position (GRCh38, 1-based): chr10:86,917,128, A>C. VCF-style: chr10-86917128-A-C. GRCh37 (hg19) VCF-style: chr10-88676885-A-C.
Identifiers: ClinVar variation 136053 (VCV000136053.46), dbSNP rs186999445, ClinGen allele CA332830.

ClinVar aggregate classification (germline): Benign/Likely benign. Review status: criteria provided, multiple submitters, no conflicts (2 of 4 stars). 13 submissions from 13 submitters: Benign (3); Likely benign (8). 2 of the submissions do not count toward it. Last evaluated 2026-07-01.

Conditions:
Juvenile polyposis syndrome (JPS). Identifiers: Orphanet 2929, MedGen C0345893, MONDO:0017380, OMIM 174900.
Polyposis syndrome, hereditary mixed, 2. Identifiers: Orphanet 157794, MedGen C1864730, MONDO:0012405, OMIM 610069.
BMPR1A-related disorder. Also called: BMPR1A-related condition.
Hereditary cancer-predisposing syndrome. Also called: Tumor predisposition; Hereditary neoplastic syndrome; Hereditary Cancer Syndrome; Neoplastic Syndromes, Hereditary. Identifiers: Orphanet 140162, MedGen C0027672, MeSH D009386, MONDO:0015356.
Generalized juvenile polyposis/juvenile polyposis coli. Also called: Juvenile polyposis coli. Identifiers: Orphanet 329971, MedGen C1868081, MONDO:0008276.

Allele frequency attached by ClinVar (database versions not stated): 1000 Genomes Project 30x 0.00016; 1000 Genomes Project 0.00020; TOPMed 0.00007; gnomAD 0.00014.
gnomAD v4.1: 85 of 1,613,818 alleles (0.0053%); highest among the groups gnomAD compares: Admixed American, 0.042%; 1 homozygote.

Submissions (13):

CeGaT Center for Human Genetics Tuebingen
Classification: Likely benign. Last evaluated: 2026-07-01. Review status: criteria provided, single submitter. Criteria: CeGaT Center For Human Genetics Tuebingen Variant Classification Criteria Version 2. Collection method: clinical testing. Allele origin: germline. Affected: yes. Observed: 2 variant alleles.
Comment: BMPR1A: BP4, BS2

Labcorp Genetics (formerly Invitae), Labcorp
Classification: Likely benign for Juvenile polyposis syndrome. Last evaluated: 2026-01-30. Review status: criteria provided, single submitter. Criteria: Invitae Variant Classification Sherloc (09022015). Collection method: clinical testing. Allele origin: germline.

Center for Genomic Medicine, Rigshospitalet, Copenhagen University Hospital
Classification: Likely benign. Last evaluated: 2025-03-04. Review status: criteria provided, single submitter. Criteria: ACMG Guidelines, 2015. Collection method: clinical testing. Allele origin: germline.

Department of Pathology and Laboratory Medicine, Sinai Health System
Classification: Likely benign for Juvenile polyposis syndrome; Polyposis syndrome, hereditary mixed, 2. Last evaluated: 2024-07-04. Review status: criteria provided, single submitter. Criteria: ACMG Guidelines, 2015. Collection method: clinical testing. Allele origin: germline. Affected: yes.

Myriad Genetics, Inc.
Classification: Likely benign for Juvenile polyposis syndrome. Last evaluated: 2023-03-02. Review status: criteria provided, single submitter. Criteria: Myriad Autosomal Dominant, Autosomal Recessive and X-Linked Classification Criteria (2023). Collection method: clinical testing. Allele origin: unknown.
Comment: This variant is considered likely benign. This variant is intronic and is not expected to impact mRNA splicing.

Sema4
Classification: Benign for Hereditary cancer-predisposing syndrome. Last evaluated: 2022-02-09. Review status: criteria provided, single submitter. Criteria: Sema4 Curation Guidelines. Collection method: curation. Allele origin: germline.

Quest Diagnostics Nichols Institute San Juan Capistrano
Classification: Benign. Last evaluated: 2019-10-18. Review status: criteria provided, single submitter. Criteria: Quest Diagnostics criteria. Collection method: clinical testing. Allele origin: unknown.

Illumina Laboratory Services, Illumina
Classification: Likely benign for Juvenile polyposis syndrome. Last evaluated: 2018-12-10. Review status: criteria provided, single submitter. Criteria: ICSL Variant Classification Criteria 13 December 2019. Collection method: clinical testing. Allele origin: germline.
Comment: This variant was observed as part of a predisposition screen in an ostensibly healthy population. A literature search was performed for the gene, cDNA change, and amino acid change (where applicable). No publications were found based on this search. Allele frequency data from public databases allowed determination this variant is unlikely to cause disease. Therefore, this variant is classified as likely benign.

GeneDx
Classification: Likely benign. Last evaluated: 2017-08-24. Review status: criteria provided, single submitter. Criteria: GeneDx Variant Classification (06012015). Collection method: clinical testing. Allele origin: germline. Affected: yes.
Comment: This variant is considered likely benign or benign based on one or more of the following criteria: it is a conservative change, it occurs at a poorly conserved position in the protein, it is predicted to be benign by multiple in silico algorithms, and/or has population frequency not consistent with disease.

Women's Health and Genetics/Laboratory Corporation of America, LabCorp
Classification: Benign. Last evaluated: 2016-12-15. Review status: criteria provided, single submitter. Criteria: LabCorp Variant Classification Summary - May 2015. Collection method: clinical testing. Allele origin: germline.
Comment: Variant summary: The BMPR1A c.676-6A>C variant involves the alteration of a non-conserved intronic nucleotide. Mutation taster predicts a benign outcome for this substitution along with 5/5 splice prediction tools predicting the variant not to have an impact on normal splicing. This variant was found in 14/118044 control chromosomes, predominantly observed in the Latino subpopulation at a frequency of 0.0002616 (3/11468). This frequency greatly exceeds the estimated maximal expected allele frequency of a pathogenic BMPR1A variant (0.000002), suggesting this is likely a benign polymorphism found primarily in the populations of Latino origin. The variant of interest has not, to our knowledge, been reported in affected individuals via publications; nor evaluated for functional impact by in vivo/vitro studies. Multiple clinical diagnostic laboratories/reputable databases classified this variant as likely benign. Taken together, this variant is classified as benign.

Color Diagnostics, LLC DBA Color Health
Classification: Likely benign for Hereditary cancer-predisposing syndrome. Last evaluated: 2016-06-13. Review status: criteria provided, single submitter. Criteria: ACMG Guidelines, 2015. Collection method: clinical testing. Allele origin: germline.

PreventionGenetics, part of Exact Sciences
Classification: Likely benign for BMPR1A-related condition. Last evaluated: 2019-04-10. Review status: no assertion criteria provided. Collection method: clinical testing. Allele origin: germline. Not counted in ClinVar's aggregate classification.
Comment: This variant is classified as likely benign based on ACMG/AMP sequence variant interpretation guidelines (Richards et al. 2015 PMID: 25741868, with internal and published modifications).

Counsyl
Classification: Uncertain significance for Juvenile polyposis syndrome. Last evaluated: 2016-02-25. Review status: no assertion criteria provided. Collection method: clinical testing. Allele origin: unknown. Not counted in ClinVar's aggregate classification.

Literature cited by the submitters: PubMed 25186627 (cited by Counsyl).